The following is an entry in ClinVar:

ClinVar aggregate classification (germline): Uncertain significance (1 of 4 stars; one submission).

Submission:

Dasa
Classification: Uncertain significance. Last evaluated: 2025-03-27. Review status: criteria provided, single submitter. Criteria: DASA Assertion Criteria. Collection method: clinical testing. Allele origin: germline.
Comment: NM_001287491.2(TET3):c.245A>G (p.Gln82Arg) is a missense variant that results in the substitution of glutamine with arginine. This variant is absent from population databases. The currently available literature and clinical evidence are not sufficient to establish a definitive association between this variant and the reported condition. Therefore, this variant is classified as a variant of uncertain significance.

NM_001287491.2(TET3):c.245A>G (p.Gln82Arg)

Gene: TET3 (tet methylcytosine dioxygenase 3; plus strand). Cytogenetic location: 2p13.1.
Variant type: single nucleotide variant.
Coding change: c.245A>G on transcript NM_001287491.2 (MANE Select); coding-DNA position 245, A replaced by G.
Protein change: p.Gln82Arg; replaces glutamine 82 with arginine.
Molecular consequence: missense variant.
Genome position (GRCh38, 1-based): chr2:73,986,648, A>G. VCF-style: chr2-73986648-A-G. GRCh37 (hg19) VCF-style: chr2-74213775-A-G.
Other names: short protein forms Q82R.
Identifiers: ClinVar variation 4885353 (VCV004885353.2).